The following is an entry in ClinVar:

ClinVar aggregate classification (germline): Uncertain significance (1 of 4 stars; one submission).

Submission:

Women's Health and Genetics/Laboratory Corporation of America, LabCorp
Classification: Uncertain significance. Last evaluated: 2021-09-01. Review status: criteria provided, single submitter. Criteria: LabCorp Variant Classification Summary - May 2015. Collection method: clinical testing. Allele origin: germline.
Comment: Variant summary: The variant identified by MLPA or other technology involves the duplication of exon 19 to exon 27 (i.e. the last exon) in the BRCA2 gene. A presumed nomenclature of c.(8331+1_8332-1)_(*903_?)dup has been designated for the purposes of this classification. It has been assumed that this is a tandem duplication in direct orientation (Richardson_GIM_2018, Newman_AJHG_2015). Since the exact breakpoints of this duplication are not known, it is unclear what is the effect of this variant at the protein level. The variant was absent in 21692 control chromosomes (gnomAD, Structural Variants dataset). The available data on variant occurrences in the general population are insufficient to allow any conclusion about variant significance. To our knowledge, no occurrence of c.(8331+1_8332-1)_(*903_?)dup in individuals affected with Hereditary Breast and Ovarian Cancer Syndrome and no experimental evidence demonstrating its impact on protein function have been reported. No clinical diagnostic laboratories have submitted clinical-significance assessments for this variant to ClinVar after 2014. Based on the evidence outlined above, the variant was classified as uncertain significance.

NC_000013.10:g.(32937671_32944538)_(32973810_?)dup

Gene: BRCA2 (BRCA2 DNA repair associated; plus strand). Cytogenetic location: 13q13.1.
Variant type: Duplication.
Identifiers: ClinVar variation 1301389 (VCV001301389.1).